The following is an entry in ClinVar:

NM_025114.4(CEP290):c.6640A>T (p.Lys2214Ter)

Gene: CEP290 (centrosomal protein 290; minus strand). Cytogenetic location: 12q21.32.
Variant type: single nucleotide variant.
Coding change: c.6640A>T on transcript NM_025114.4 (MANE Select); coding-DNA position 6640, A replaced by T.
Protein change: p.Lys2214Ter; replaces lysine 2214 with a stop codon.
Molecular consequence: nonsense.
Genome position (GRCh38, 1-based): chr12:88,059,903, T>A on the plus strand (A>T on the coding strand, the complement: CEP290 is on the minus strand). VCF-style: chr12-88059903-T-A. GRCh37 (hg19) VCF-style: chr12-88453680-T-A.
Other names: c.6640A>T (NM_025114.3); short protein forms K2214*.
Identifiers: ClinVar variation 2137394 (VCV002137394.14), dbSNP rs768065164, ClinGen allele CA6711460.
Genomic context (GRCh38, chr12:88,059,903, plus strand): 5'-AGAGGTATTAAGTAAAATAAAAATCAAAAGTTATAATCAGTCATAAAAGTCATACTTTTT[T>A]AAGTTCTTTACGAAGCCTTTCATTTTCAGCAATAATTTTTTCTGTGCCTTTGGTCTTGGA-3'

ClinVar aggregate classification (germline): Pathogenic/Likely pathogenic. Review status: criteria provided, multiple submitters, no conflicts (2 of 4 stars). 8 submissions from 8 submitters: Pathogenic (7); Likely pathogenic (1). Last evaluated 2026-09-24.

Conditions:
CEP290-related ciliopathy. Also called: CEP290 ciliopathy. Identifiers: MedGen CN305601, MONDO:0100451.
Meckel-Gruber syndrome. Also called: DYSENCEPHALIA SPLANCHNOCYSTICA; GRUBER SYNDROME; Dysencephalia splachnocystica. Identifiers: Orphanet 564, MedGen C0265215, MONDO:0018921.
Joubert syndrome. Also called: JOUBERT-BOLTSHAUSER SYNDROME; Familial aplasia of the vermis. Identifiers: Orphanet 475, MedGen C5979921, MONDO:0018772.
Nephronophthisis. Also called: Juvenile Nephronophthisis. Identifiers: Orphanet 655, MedGen C0687120, MONDO:0019005, HP:0000090.
Joubert syndrome 5 (JBTS5). Identifiers: Orphanet 2318, MedGen C1857780, MONDO:0012432, OMIM 610188.
Leber congenital amaurosis 10 (LCA10). Identifiers: Orphanet 65, MedGen C1857821, MONDO:0012723, OMIM 611755.
Senior-Loken syndrome 6 (SLSN6). Identifiers: Orphanet 3156, MedGen C1857779, MONDO:0012433, OMIM 610189.
Meckel syndrome, type 4 (MKS4). Also called: MECKEL-GRUBER SYNDROME, TYPE 4. Identifiers: Orphanet 564, MedGen C1970161, MONDO:0012626, OMIM 611134.
Bardet-Biedl syndrome 14 (BBS14). Identifiers: Orphanet 110, MedGen C2673874, MONDO:0014442, OMIM 615991.
CEP290-related disorder. Also called: CEP290-related condition; CEP290-related disorders. Identifiers: MedGen CN239314.

Allele frequency attached by ClinVar (database versions not stated): gnomAD exomes below 0.00001; TOPMed 0.00001; ExAC 0.00002.
gnomAD v4.1: 2 of 1,582,962 alleles (0.00013%); highest among the groups gnomAD compares: Non-Finnish European, 0.00017%; no homozygotes.

Submissions (8):

PreventionGenetics, part of Exact Sciences
Classification: Pathogenic for CEP290-related condition. Last evaluated: 2026-09-24. Review status: criteria provided, single submitter. Criteria: ACMG Guidelines, 2015. Collection method: clinical testing. Allele origin: germline.
Comment: The CEP290 c.6640A>T variant is predicted to result in premature protein termination (p.Lys2214*). This variant has been reported with another CEP290 variant in an individual with retinitis pigmentosa (Bernardis et al. 2016. PubMed ID: 28127548). This variant is reported in 0.0036% of alleles in individuals of Latino descent in gnomAD. Nonsense variants in CEP290 are expected to be pathogenic. This variant is interpreted as pathogenic.

Division of Genetic & Genomic Pathology, Hong Kong Children's Hospital
Classification: Pathogenic for CEP290-related ciliopathy. Last evaluated: 2025-05-15. Review status: criteria provided, single submitter. Criteria: ACMG Guidelines, 2015. Collection method: clinical testing. Allele origin: germline. Affected: yes.
Comment: CEP290 c.6640A>T p.(Lys2214Ter) is a nonsense variant located in exon 48 (out of 54 exons). It is predicted to cause loss of normal protein function by nonsense-mediated mRNA decay. This variant is present at a very low frequency in population controls (gnomAD v4.1.0: 2 in 1,167,678 alleles in non-Finnish European, absent in other populations). It has been deposited in ClinVar as pathogenic/likely pathogenic (VCV002137394.7), and detected in compound heterozygous state with a frameshift variant in a patient with retinitis pigmentosa (PMID: 28127548). For these reasons, CEP290 c.6640A>T p.(Lys2214Ter) is classified as pathogenic. This variant is in trans with another frameshift likely pathogenic variant.

Labcorp Genetics (formerly Invitae), Labcorp
Classification: Pathogenic for Joubert syndrome; Meckel-Gruber syndrome; Nephronophthisis. Last evaluated: 2024-12-31. Review status: criteria provided, single submitter. Criteria: Invitae Variant Classification Sherloc (09022015). Collection method: clinical testing. Allele origin: germline.
Comment: This sequence change creates a premature translational stop signal (p.Lys2214*) in the CEP290 gene. It is expected to result in an absent or disrupted protein product. Loss-of-function variants in CEP290 are known to be pathogenic (PMID: 16909394, 17345604, 20690115). The frequency data for this variant in the population databases is considered unreliable, as metrics indicate poor data quality at this position in the gnomAD database. This premature translational stop signal has been observed in individual(s) with retinitis pigmentosa (PMID: 28127548). ClinVar contains an entry for this variant (Variation ID: 2137394). For these reasons, this variant has been classified as Pathogenic.

Myriad Genetics, Inc.
Classification: Pathogenic for CEP290-related ciliopathy. Last evaluated: 2024-06-02. Review status: criteria provided, single submitter. Criteria: Myriad Autosomal Dominant, Autosomal Recessive and X-Linked Classification Criteria (2023). Collection method: clinical testing. Allele origin: unknown.
Comment: NM_025114.3(CEP290):c.6640A>T(K2214*) is expected to be pathogenic in the context of CEP290-related disorders. This variant is predicted to lead to an abnormal or absent protein product due to the creation of a premature termination codon in CEP290, a gene where loss-of-function variants are known to be pathogenic. Please note: this variant was assessed in the context of healthy population screening.

Fulgent Genetics
Classification: Pathogenic for Joubert syndrome 5; Senior-Loken syndrome 6; Meckel syndrome, type 4; Leber congenital amaurosis 10; Bardet-Biedl syndrome 14. Last evaluated: 2024-04-28. Review status: criteria provided, single submitter. Criteria: ACMG Guidelines, 2015. Collection method: clinical testing. Allele origin: germline.

Baylor Genetics
Classification: Pathogenic for Bardet-Biedl syndrome 14. Last evaluated: 2023-12-29. Review status: criteria provided, single submitter. Criteria: ACMG Guidelines, 2015. Collection method: clinical testing. Allele origin: unknown.

Blueprint Genetics
Classification: Pathogenic for CEP290-related disorders. Last evaluated: 2023-09-14. Review status: criteria provided, single submitter. Criteria: ACMG Guidelines, 2015. Collection method: clinical testing. Allele origin: germline. Affected: yes. Observed: 3 variant alleles.

Revvity Omics, Revvity
Classification: Likely pathogenic. Last evaluated: 2022-01-01. Review status: criteria provided, single submitter. Criteria: ACMG Guidelines, 2015. Collection method: clinical testing. Allele origin: germline.

Literature cited by the submitters: PubMed 28127548 (cited by Division of Genetic & Genomic Pathology, Hong Kong Children's Hospital and Labcorp Genetics (formerly Invitae), Labcorp); PubMed 16909394 (cited by Labcorp Genetics (formerly Invitae), Labcorp); PubMed 17345604 (cited by Labcorp Genetics (formerly Invitae), Labcorp); PubMed 20690115 (cited by Labcorp Genetics (formerly Invitae), Labcorp).